The following is an entry in ClinVar:

ClinVar aggregate classification (germline): Uncertain significance (1 of 4 stars; one submission).

Conditions:
Inborn genetic diseases. Identifiers: MedGen C0950123, MeSH D030342.

gnomAD v4.1: 3 of 1,612,078 alleles (0.00019%); highest among the groups gnomAD compares: Non-Finnish European, 0.00025%; no homozygotes.

Submission:

Ambry Genetics
Classification: Uncertain significance for Inborn genetic diseases. Last evaluated: 2025-02-19. Review status: criteria provided, single submitter. Criteria: Ambry Variant Classification Scheme 2023. Collection method: clinical testing. Allele origin: germline.
Comment: The p.R979P variant (also known as c.2936G>C), located in coding exon 29 of the RTEL1 gene, results from a G to C substitution at nucleotide position 2936. The arginine at codon 979 is replaced by proline, an amino acid with dissimilar properties. This amino acid position is conserved. In addition, this alteration is predicted to be tolerated by in silico analysis. Based on the available evidence, the clinical significance of this variant remains unclear.

NM_001283009.2(RTEL1):c.2936G>C (p.Arg979Pro)

Genes: RTEL1 (regulator of telomere elongation helicase 1; plus strand), RTEL1-TNFRSF6B (RTEL1-TNFRSF6B readthrough (NMD candidate); plus strand). Cytogenetic location: 20q13.33.
Variant type: single nucleotide variant.
Coding change: c.2936G>C on transcript NM_001283009.2 (MANE Select); coding-DNA position 2936, G replaced by C.
Protein change: p.Arg979Pro; replaces arginine 979 with proline.
Molecular consequence: missense variant. On other transcripts: non-coding transcript variant (1).
Genome position (GRCh38, 1-based): chr20:63,693,227, G>C. VCF-style: chr20-63693227-G-C. GRCh37 (hg19) VCF-style: chr20-62324580-G-C.
Other names: c.2267G>C, p.Arg756Pro (NM_001283010.1); c.2936G>C, p.Arg979Pro (NM_016434.4); c.3008G>C, p.Arg1003Pro (NM_032957.5); short protein forms R1003P, R756P, R979P.
Identifiers: ClinVar variation 3791163 (VCV003791163.1).